The following is an entry in ClinVar:

NM_007194.4(CHEK2):c.924_925delinsAA (p.Leu309Met)

Gene: CHEK2 (checkpoint kinase 2; minus strand). Cytogenetic location: 22q12.1.
Variant type: Indel.
Coding change: c.924_925delinsAA on transcript NM_007194.4 (MANE Select); coding-DNA positions 924 to 925, GC replaced by AA.
Protein change: p.Leu309Met; replaces leucine 309 with methionine.
Molecular consequence: missense variant.
Genome position (GRCh38, 1-based): chr22:28,699,921-28,699,922, GC replaced by TT on the plus strand (GC replaced by AA on the coding strand, the reverse complement: CHEK2 is on the minus strand). VCF-style: chr22-28699921-GC-TT. GRCh37 (hg19) VCF-style: chr22-29095909-GC-TT.
Other names: c.924_925delinsAA (NM_007194.3); c.1053_1054delGCinsAA, p.Leu352Met (NM_001005735.3); c.261_262delGCinsAA, p.Leu88Met (NM_001257387.3); c.723_724delGCinsAA, p.Leu242Met (NM_001349956.3); c.924_925delGCinsAA, p.Leu309Met (NM_145862.3); short protein forms L309M, L242M, L352M, L88M.
Identifiers: ClinVar variation 581089 (VCV000581089.11), dbSNP rs1569121657, ClinGen allele CA891844294.
Genomic context (GRCh38, chr22:28,699,921, plus strand): 5'-AAAAATAGAGCTTGCAGGTAGCTTCTTTCAGGCGTTTATTCCCCACCACTTTGTCAAACA[GC>TT]TCTCCCCCTTCCATCCTGAAACACAAAGGCAAGGCAAGGGGTTCATTCCTGGGGGAAAAC-3'
Protein context (NP_009125.1, residues 299-319): IVLELMEGGE[Leu309Met]FDKVVGNKRL

ClinVar aggregate classification (germline): Uncertain significance. Review status: criteria provided, multiple submitters, no conflicts (2 of 4 stars). 3 submissions from 3 submitters: Uncertain significance (3). Last evaluated 2024-11-08.

Conditions:
Hereditary cancer-predisposing syndrome. Also called: Neoplastic Syndromes, Hereditary; Tumor predisposition; Hereditary neoplastic syndrome; Hereditary Cancer Syndrome. Identifiers: Orphanet 140162, MedGen C0027672, MeSH D009386, MONDO:0015356.
Familial cancer of breast. Also called: BREAST CANCER, FAMILIAL; hereditary breast carcinoma; Hereditary breast cancer. Identifiers: Orphanet 227535, MedGen C0346153, MONDO:0016419, OMIM 114480. Disease mechanism: loss of function.

Submissions (3):

Ambry Genetics
Classification: Uncertain significance for Hereditary cancer-predisposing syndrome. Last evaluated: 2024-11-08. Review status: criteria provided, single submitter. Criteria: Ambry Variant Classification Scheme 2023. Collection method: clinical testing. Allele origin: germline.
Comment: The c.924_925delGCinsAA variant, located in coding exon 8 of the CHEK2 gene, results from an in-frame deletion of GC and insertion of AA at nucleotide positions 924 to 925. This results in the substitution of the leucine residue for a methionine residue at codon 309, an amino acid with highly similar properties. This amino acid position is highly conserved in available vertebrate species. In addition, this alteration is predicted to be neutral by in silico analysis (Choi Y et al. PLoS ONE. 2012; 7(10):e46688). Based on the available evidence, the clinical significance of this variant remains unclear.

Labcorp Genetics (formerly Invitae), Labcorp
Classification: Uncertain significance for Familial cancer of breast. Last evaluated: 2024-01-22. Review status: criteria provided, single submitter. Criteria: Invitae Variant Classification Sherloc (09022015). Collection method: clinical testing. Allele origin: germline.
Comment: This sequence change replaces leucine, which is neutral and non-polar, with methionine, which is neutral and non-polar, at codon 309 of the CHEK2 protein (p.Leu309Met). Information on the frequency of this variant in the gnomAD database is not available, as this variant may be reported differently in the database. This variant has not been reported in the literature in individuals affected with CHEK2-related conditions. ClinVar contains an entry for this variant (Variation ID: 581089). Experimental studies and prediction algorithms are not available or were not evaluated, and the functional significance of this variant is currently unknown. In summary, the available evidence is currently insufficient to determine the role of this variant in disease. Therefore, it has been classified as a Variant of Uncertain Significance.

Color Diagnostics, LLC DBA Color Health
Classification: Uncertain significance for Hereditary cancer-predisposing syndrome. Last evaluated: 2023-12-04. Review status: criteria provided, single submitter. Criteria: ACMG Guidelines, 2015. Collection method: clinical testing. Allele origin: germline.
Comment: This missense variant replaces leucine with methionine at codon 309 of the CHEK2 protein. To our knowledge, functional studies have not been reported for this variant. This variant has not been reported in individuals affected with CHEK2-related disorders in the literature. This variant has not been identified in the general population by the Genome Aggregation Database (gnomAD). The available evidence is insufficient to determine the role of this variant in disease conclusively. Therefore, this variant is classified as a Variant of Uncertain Significance.